The following is an entry in ClinVar:

ClinVar aggregate classification (germline): Uncertain significance (1 of 4 stars; one submission).

Submission:

Labcorp Genetics (formerly Invitae), Labcorp
Classification: Uncertain significance. Last evaluated: 2022-10-03. Review status: criteria provided, single submitter. Criteria: Invitae Variant Classification Sherloc (09022015). Collection method: clinical testing. Allele origin: germline.
Comment: In summary, the available evidence is currently insufficient to determine the role of this variant in disease. Therefore, it has been classified as a Variant of Uncertain Significance. Experimental studies and prediction algorithms are not available or were not evaluated, and the functional significance of this variant is currently unknown. This variant has not been reported in the literature in individuals affected with RP1-related conditions. This variant is present in population databases (rs754158671, gnomAD 0.002%). This variant, c.4680_4691del, results in the deletion of 4 amino acid(s) of the RP1 protein (p.Met1562_Lys1565del), but otherwise preserves the integrity of the reading frame.

NM_006269.2(RP1):c.4680_4691del (p.Met1562_Lys1565del)

Gene: RP1 (RP1 axonemal microtubule associated; plus strand). Cytogenetic location: 8q12.1.
Variant type: Deletion.
Coding change: c.4680_4691del on transcript NM_006269.2 (MANE Select); coding-DNA positions 4680 to 4691, 12 bases deleted (AAAAATGATGGT).
Protein change: p.Met1562_Lys1565del.
Molecular consequence: inframe deletion. On other transcripts: intron variant (1).
Genome position (GRCh38, 1-based): chr8:54,628,562-54,628,573, AAAAATGATGGT deleted; deleting any 12 consecutive bases within chr8:54,628,556-54,628,573 gives the same sequence; the c. name uses the placement nearest the transcript's 3' end. VCF-style (leftmost placement, unchanged base first): chr8-54628555-AGATGGTAAAAAT-A. GRCh37 (hg19) VCF-style: chr8-55541115-AGATGGTAAAAAT-A.
Other names: c.787+6274_787+6285del (NM_001375654.1).
Identifiers: ClinVar variation 2028668 (VCV002028668.4), dbSNP rs754158671, ClinGen allele CA4751925.
Genomic context (GRCh38, chr8:54,628,555, plus strand): 5'-TAGATTTTTGCTATGATTCTAAGCAAAATAGTGAAAAGGAGACCAATGAAGGAGAAACTA[AGATGGTAAAAAT>A]GATGGTGAAAACTATGGAAACTGGAAGTTATTCAGAGTCCTCTCCTGATTTAAAAAAATG-3'